The following is an entry in ClinVar:

ClinVar aggregate classification (germline): Benign. Review status: criteria provided, multiple submitters, no conflicts (2 of 4 stars). 3 submissions from 3 submitters: Benign (3). Last evaluated 2018-06-19.

Allele frequency attached by ClinVar (database versions not stated): ExAC 0.01385; 1000 Genomes Project 30x 0.04919; gnomAD exomes 0.01139; gnomAD 0.04497 and 0.04225; 1000 Genomes Project 0.04553; TOPMed 0.04626; ESP Exome Variant Server 0.04067.
gnomAD v4.1: 13,194 of 1,592,256 alleles (0.83%); highest among the groups gnomAD compares: African/African-American, 14%; 807 homozygotes.

Submissions (3):

GeneDx
Classification: Benign. Last evaluated: 2018-06-19. Review status: criteria provided, single submitter. Criteria: GeneDx Variant Classification (06012015). Collection method: clinical testing. Allele origin: germline. Affected: yes.
Comment: This variant is considered likely benign or benign based on one or more of the following criteria: it is a conservative change, it occurs at a poorly conserved position in the protein, it is predicted to be benign by multiple in silico algorithms, and/or has population frequency not consistent with disease.

PreventionGenetics, part of Exact Sciences
Classification: Benign. Last evaluated: 2013-10-30. Review status: criteria provided, single submitter. Criteria: ACMG Guidelines, 2015. Collection method: clinical testing. Allele origin: germline.

Breakthrough Genomics
Classification: Benign. Review status: criteria provided, single submitter. Criteria: ACMG Guidelines, 2015. Collection method: not provided. Allele origin: germline. Inheritance: Autosomal recessive inheritance. Affected: yes.

NM_000540.3(RYR1):c.14969+32G>C

Gene: RYR1 (ryanodine receptor 1; plus strand). Cytogenetic location: 19q13.2.
Variant type: single nucleotide variant.
Coding change: c.14969+32G>C on transcript NM_000540.3 (MANE Select); 32 bases into the intron after coding-DNA position 14969, G replaced by C.
Molecular consequence: intron variant.
Genome position (GRCh38, 1-based): chr19:38,586,223, G>C. VCF-style: chr19-38586223-G-C. GRCh37 (hg19) VCF-style: chr19-39076863-G-C.
Other names: c.14954+32G>C (NM_001042723.2).
Identifiers: ClinVar variation 256453 (VCV000256453.3), dbSNP rs113102243, ClinGen allele CA061894.
Genomic context (GRCh38, chr19:38,586,223, plus strand): 5'-CTGGAGGAGCACAACCTGGCCAATTACATGTGAGCAGACACACTGGCCAGTCAGGAGGGT[G>C]GGGGGCATGGCTGCCAATAGCCAGCAGTGGGGTACTTAGCTTTGGCCAGTTAGGAAAGGG-3'